The following is an entry in ClinVar:

ClinVar aggregate classification (germline): Likely benign. Review status: criteria provided, multiple submitters, no conflicts (2 of 4 stars). 4 submissions from 4 submitters: Likely benign (3). 1 of the submissions does not count toward it. Last evaluated 2026-01-31.

Conditions:
POLD1-related polyposis and colorectal cancer syndrome (CRCS10). Also called: Colorectal cancer, susceptibility to, 10; Colorectal cancer 10; COLORECTAL CANCER, SUSCEPTIBILITY TO, ON CHROMOSOME 19q. Identifiers: Orphanet 220460, MedGen C2675481, MONDO:0012953, OMIM 612591.

Allele frequency attached by ClinVar (database versions not stated): gnomAD exomes 0.00001 and 0.00003; ExAC 0.00004; gnomAD 0.00012 and 0.00014; ESP Exome Variant Server 0.00015; TOPMed 0.00016.
gnomAD v4.1: 31 of 1,613,176 alleles (0.0019%); highest among the groups gnomAD compares: African/African-American, 0.039%; no homozygotes.

Submissions (4):

Labcorp Genetics (formerly Invitae), Labcorp
Classification: Likely benign for POLD1-related polyposis and colorectal cancer syndrome. Last evaluated: 2026-01-31. Review status: criteria provided, single submitter. Criteria: Invitae Variant Classification Sherloc (09022015). Collection method: clinical testing. Allele origin: germline.

Quest Diagnostics Nichols Institute San Juan Capistrano
Classification: Likely benign. Last evaluated: 2019-12-05. Review status: criteria provided, single submitter. Criteria: Quest Diagnostics criteria. Collection method: clinical testing. Allele origin: unknown.

GeneDx
Classification: Likely benign. Last evaluated: 2017-04-19. Review status: criteria provided, single submitter. Criteria: GeneDx Variant Classification (06012015). Collection method: clinical testing. Allele origin: germline. Affected: yes.
Comment: This variant is considered likely benign or benign based on one or more of the following criteria: it is a conservative change, it occurs at a poorly conserved position in the protein, it is predicted to be benign by multiple in silico algorithms, and/or has population frequency not consistent with disease.

Counsyl
Classification: Likely benign for POLD1-related polyposis and colorectal cancer syndrome. Last evaluated: 2017-05-15. Review status: no assertion criteria provided. Collection method: clinical testing. Allele origin: unknown. Not counted in ClinVar's aggregate classification.

NM_002691.4(POLD1):c.758+8C>G

Gene: POLD1 (DNA polymerase delta 1, catalytic subunit; plus strand). Cytogenetic location: 19q13.33.
Variant type: single nucleotide variant.
Coding change: c.758+8C>G on transcript NM_002691.4 (MANE Select); 8 bases into the intron after coding-DNA position 758, C replaced by G.
Molecular consequence: intron variant.
Genome position (GRCh38, 1-based): chr19:50,402,381, C>G. VCF-style: chr19-50402381-C-G. GRCh37 (hg19) VCF-style: chr19-50905638-C-G.
Other names: c.758+8C>G (LRG_785t1, LRG_785t2, NM_001256849.1 and 1 more transcripts).
Identifiers: ClinVar variation 385595 (VCV000385595.18), dbSNP rs377133822, ClinGen allele CA9595882.